The following is an entry in ClinVar:

NM_025137.4(SPG11):c.622C>T (p.Leu208Phe)

Gene: SPG11 (SPG11 vesicle trafficking associated, spatacsin; minus strand). Cytogenetic location: 15q21.1.
Variant type: single nucleotide variant.
Coding change: c.622C>T on transcript NM_025137.4 (MANE Select); coding-DNA position 622, C replaced by T.
Protein change: p.Leu208Phe; replaces leucine 208 with phenylalanine.
Molecular consequence: missense variant.
Genome position (GRCh38, 1-based): chr15:44,659,124, G>A on the plus strand (C>T on the coding strand, the complement: SPG11 is on the minus strand). VCF-style: chr15-44659124-G-A. GRCh37 (hg19) VCF-style: chr15-44951322-G-A.
Other names: c.622C>T, p.Leu208Phe (NM_001160227.2, NM_001411132.1); short protein forms L208F.
Identifiers: ClinVar variation 1720707 (VCV001720707.5), dbSNP rs747595866, ClinGen allele CA392237659.

ClinVar aggregate classification (germline): Uncertain significance (1 of 4 stars; one submission).

Conditions:
Hereditary spastic paraplegia 11. Also called: Spastic paraplegia, mental retardation and thin corpus callosum; SPASTIC PARAPLEGIA, AUTOSOMAL RECESSIVE, COMPLICATED, WITH THIN CORPUS CALLOSUM; SPASTIC PARAPLEGIA, AUTOSOMAL RECESSIVE, WITH MENTAL IMPAIRMENT AND THIN CORPUS CALLOSUM; Nakamura Osame syndrome; Autosomal recessive hereditary spastic paraplegia, mental impairment, and thin corpus callosum; Spastic Paraplegia 11. Identifiers: Orphanet 2822, MedGen C1858479, MONDO:0011445, OMIM 604360.

gnomAD v4.1: 1 of 1,614,208 alleles (0.000062%); highest among the groups gnomAD compares: Non-Finnish European, 0.000085%; no homozygotes.

Submission:

Labcorp Genetics (formerly Invitae), Labcorp
Classification: Uncertain significance for Hereditary spastic paraplegia 11. Last evaluated: 2022-07-27. Review status: criteria provided, single submitter. Criteria: Invitae Variant Classification Sherloc (09022015). Collection method: clinical testing. Allele origin: germline.
Comment: This variant has not been reported in the literature in individuals affected with SPG11-related conditions. This sequence change replaces leucine, which is neutral and non-polar, with phenylalanine, which is neutral and non-polar, at codon 208 of the SPG11 protein (p.Leu208Phe). This variant is not present in population databases (gnomAD no frequency). Algorithms developed to predict the effect of missense changes on protein structure and function are either unavailable or do not agree on the potential impact of this missense change (SIFT: "Tolerated"; PolyPhen-2: "Possibly Damaging"; Align-GVGD: "Class C0"). In summary, the available evidence is currently insufficient to determine the role of this variant in disease. Therefore, it has been classified as a Variant of Uncertain Significance.